The following is an entry in ClinVar:

ClinVar aggregate classification (germline): Likely benign. Review status: criteria provided, single submitter (1 of 4 stars). 2 submissions from 2 submitters: Likely benign (1). 1 of the submissions does not count toward it. Last evaluated 2025-04-17.

Conditions:
PCGF2-related disorder. Also called: PCGF2-related condition.

Allele frequency attached by ClinVar (database versions not stated): gnomAD exomes 0.00002 and 0.00008; gnomAD 0.00003 and 0.00004; TOPMed 0.00003; ExAC 0.00010; 1000 Genomes Project 30x 0.00016; 1000 Genomes Project 0.00020.
gnomAD v4.1: 38 of 1,614,184 alleles (0.0024%); highest among the groups gnomAD compares: East Asian, 0.025%; no homozygotes.

Submissions (2):

Labcorp Genetics (formerly Invitae), Labcorp
Classification: Likely benign. Last evaluated: 2025-04-17. Review status: criteria provided, single submitter. Criteria: Invitae Variant Classification Sherloc (09022015). Collection method: clinical testing. Allele origin: germline.

PreventionGenetics, part of Exact Sciences
Classification: Likely benign for PCGF2-related condition. Last evaluated: 2024-06-01. Review status: no assertion criteria provided. Collection method: clinical testing. Allele origin: germline. Not counted in ClinVar's aggregate classification.
Comment: This variant is classified as likely benign based on ACMG/AMP sequence variant interpretation guidelines (Richards et al. 2015 PMID: 25741868, with internal and published modifications).

NM_007144.3(PCGF2):c.544C>T (p.Arg182Cys)

Gene: PCGF2 (polycomb group ring finger 2; minus strand). Cytogenetic location: 17q12.
Variant type: single nucleotide variant.
Coding change: c.544C>T on transcript NM_007144.3 (MANE Select); coding-DNA position 544, C replaced by T.
Protein change: p.Arg182Cys; replaces arginine 182 with cysteine.
Molecular consequence: missense variant.
Genome position (GRCh38, 1-based): chr17:38,738,385, G>A on the plus strand (C>T on the coding strand, the complement: PCGF2 is on the minus strand). VCF-style: chr17-38738385-G-A. GRCh37 (hg19) VCF-style: chr17-36894638-G-A.
Other names: c.544C>T (NM_007144.2); c.544C>T, p.Arg182Cys (NM_001369614.1, NM_001369615.1); short protein forms R182C.
Identifiers: ClinVar variation 1670412 (VCV001670412.9), dbSNP rs560971855, ClinGen allele CA8524948.
Genomic context (GRCh38, chr17:38,738,385, plus strand): 5'-TCATTTTTTGAAAGGCCCAGGGACCCACCTTGTACTTGCTGGGCACATCCATCTTGTTGC[G>A]GAGAAACTTGGCAAGATGCATGACGGTCATGGCTGCTGGGCATCGCAGGAAGCGCACCCC-3'
Protein context (NP_009075.1, residues 172-192): MTVMHLAKFL[Arg182Cys]NKMDVPSKYK